The following is an entry in ClinVar:

NM_001161417.2(GPR17):c.924G>C (p.Leu308=)

Genes: GPR17 (G protein-coupled receptor 17; plus strand), LIMS2 (LIM zinc finger domain containing 2; minus strand). Cytogenetic location: 2q14.3.
Variant type: single nucleotide variant.
Coding change: c.924G>C on transcript NM_001161417.2 (MANE Select); coding-DNA position 924, G replaced by C.
Protein change: p.Leu308=; no amino-acid change (leucine 308 retained).
Molecular consequence: synonymous variant. On other transcripts: intron variant (4).
Genome position (GRCh38, 1-based): chr2:127,651,659, G>C. VCF-style: chr2-127651659-G-C. GRCh37 (hg19) VCF-style: chr2-128409233-G-C.
Other names: c.425+2765C>G (NM_001136037.4); c.431+2765C>G (NM_017980.5); c.1008G>C, p.Leu336= (NM_001161415.2, NM_005291.3); c.924G>C, p.Leu308= (NM_001161416.2); c.344+2765C>G (NM_001161404.2); c.359+2765C>G (NM_001161403.3).
Identifiers: ClinVar variation 3388286 (VCV003388286.14).
Genomic context (GRCh38, chr2:127,651,659, plus strand): 5'-CAACGGGGCACTCGACCCCATCATGTATTTCTTCGTGGCTGAGAAGTTCCGCCACGCCCT[G>C]TGCAACTTGCTCTGTGGCAAAAGGCTCAAGGGCCCGCCCCCCAGCTTCGAAGGGAAAACC-3'
Protein context (NP_001154889.1, residues 298-318): FFVAEKFRHA[Leu308=]CNLLCGKRLK

ClinVar aggregate classification (germline): Likely benign (1 of 4 stars; one submission).

gnomAD v4.1: 596 of 1,613,442 alleles (0.037%); highest among the groups gnomAD compares: Non-Finnish European, 0.036%; 2 homozygotes.

Submission:

CeGaT Center for Human Genetics Tuebingen
Classification: Likely benign. Last evaluated: 2024-11-01. Review status: criteria provided, single submitter. Criteria: CeGaT Center For Human Genetics Tuebingen Variant Classification Criteria Version 2. Collection method: clinical testing. Allele origin: germline. Affected: yes. Observed: 1 variant allele.
Comment: GPR17: BP4, BP7